The following is an entry in ClinVar:

ClinVar aggregate classification (germline): Uncertain significance (1 of 4 stars; one submission).

Conditions:
Ehlers-Danlos syndrome, classic type, 1 (EDSCL1). Also called: EHLERS-DANLOS SYNDROME, GRAVIS TYPE; EHLERS-DANLOS SYNDROME, SEVERE CLASSIC TYPE; Ehlers-Danlos syndrome, type 1; Ehlers-Danlos Syndrome, Classic Type, COL5A1-Related; EDS I. Identifiers: MedGen C0268335, MONDO:0019567, OMIM 130000.

Submission:

Labcorp Genetics (formerly Invitae), Labcorp
Classification: Uncertain significance for Ehlers-Danlos syndrome, classic type, 1. Last evaluated: 2024-05-06. Review status: criteria provided, single submitter. Criteria: Invitae Variant Classification Sherloc (09022015). Collection method: clinical testing. Allele origin: germline.
Comment: This sequence change replaces lysine, which is basic and polar, with arginine, which is basic and polar, at codon 1619 of the COL5A1 protein (p.Lys1619Arg). This variant is not present in population databases (gnomAD no frequency). This variant has not been reported in the literature in individuals affected with COL5A1-related conditions. Advanced modeling of protein sequence and biophysical properties (such as structural, functional, and spatial information, amino acid conservation, physicochemical variation, residue mobility, and thermodynamic stability) performed at Invitae indicates that this missense variant is not expected to disrupt COL5A1 protein function with a negative predictive value of 95%. In summary, the available evidence is currently insufficient to determine the role of this variant in disease. Therefore, it has been classified as a Variant of Uncertain Significance.

NM_000093.5(COL5A1):c.4856A>G (p.Lys1619Arg)

Genes: COL5A1 (collagen type V alpha 1 chain; plus strand), LOC101448202 (uncharacterized LOC101448202; minus strand). Cytogenetic location: 9q34.3.
Variant type: single nucleotide variant.
Coding change: c.4856A>G on transcript NM_000093.5 (MANE Select); coding-DNA position 4856, A replaced by G.
Protein change: p.Lys1619Arg; replaces lysine 1619 with arginine.
Molecular consequence: missense variant.
Genome position (GRCh38, 1-based): chr9:134,824,757, A>G. VCF-style: chr9-134824757-A-G. GRCh37 (hg19) VCF-style: chr9-137716603-A-G.
Other names: c.4856A>G, p.Lys1619Arg (NM_001278074.1); short protein forms K1619R.
Identifiers: ClinVar variation 3652393 (VCV003652393.2).